The following is an entry in ClinVar:

ClinVar aggregate classification (germline): Uncertain significance. Review status: criteria provided, multiple submitters, no conflicts (2 of 4 stars). 3 submissions from 3 submitters: Uncertain significance (2). 1 of the submissions does not count toward it. Last evaluated 2017-06-29.

Conditions:
Bilateral frontoparietal polymicrogyria. Also called: CORTICAL DYSPLASIA, COMPLEX, WITH OTHER BRAIN MALFORMATIONS 14A (BILATERAL FRONTOPARIETAL); CEREBELLAR ATAXIA WITH NEURONAL MIGRATION DEFECT. Identifiers: Orphanet 101070, MedGen C1847352, MONDO:0011738, OMIM 606854.

Allele frequency attached by ClinVar (database versions not stated): gnomAD 0.00001; gnomAD exomes 0.00002 and 0.00001; TOPMed 0.00003; ExAC 0.00002.

Submissions (3):

GeneDx
Classification: Uncertain significance. Last evaluated: 2017-06-29. Review status: criteria provided, single submitter. Criteria: GeneDx Variant Classification (06012015). Collection method: clinical testing. Allele origin: germline. Affected: yes.
Comment: A variant of uncertain significance has been identified in the ADGRG1 gene. The R96Q variant has not been published as a pathogenic variant, nor has it been reported as a benign variant to our knowledge. The R96Q variant is not observed at a significant frequency in large population cohorts (Lek et al., 2016; 1000 Genomes Consortium et al., 2015; Exome Variant Server). The R96Q variant is a semi-conservative amino acid substitution, which may impact secondary protein structure as these residues differ in some properties. Missense variants in nearby residues (C91S and Y88C) have been reported in Human Gene Mutation Database in association with ADGRG1-related disorders (Stenson et al., 2014), supporting the functional importance of this region of the protein. However, this substitution occurs at a position that is not conserved. In silico analysis is inconsistent in its predictions as to whether or not the variant is damaging to the protein structure/function. Therefore, based on the currently available information, it is unclear whether this variant is a pathogenic variant or a rare benign variant.

Genetic Services Laboratory, University of Chicago
Classification: Uncertain significance for Polymicrogyria, bilateral frontoparietal. Last evaluated: 2013-02-08. Review status: criteria provided, single submitter. Criteria: ACMG Guidelines, 2007. Collection method: clinical testing. Allele origin: germline. Inheritance: Autosomal recessive inheritance.

Natera, Inc.
Classification: Uncertain significance for Bilateral frontoparietal polymicrogyria. Last evaluated: 2020-07-07. Review status: no assertion criteria provided. Collection method: clinical testing. Allele origin: germline. Not counted in ClinVar's aggregate classification.

NM_201525.4(ADGRG1):c.287G>A (p.Arg96Gln)

Gene: ADGRG1 (adhesion G protein-coupled receptor G1; plus strand). Cytogenetic location: 16q21.
Variant type: single nucleotide variant.
Coding change: c.287G>A on transcript NM_201525.4 (MANE Select); coding-DNA position 287, G replaced by A.
Protein change: p.Arg96Gln; replaces arginine 96 with glutamine.
Molecular consequence: missense variant. On other transcripts: 5 prime UTR variant (5), intron variant (1).
Genome position (GRCh38, 1-based): chr16:57,651,422, G>A. VCF-style: chr16-57651422-G-A. GRCh37 (hg19) VCF-style: chr16-57685334-G-A.
Other names: c.287G>A, p.Arg96Gln (NM_001145770.3, NM_001145771.3, NM_001145772.3 and 16 more transcripts); c.302G>A, p.Arg101Gln (NM_001145773.3, NM_001370433.1); c.-239G>A (NM_001290143.2, NM_001290144.2, NM_001370451.1 and 2 more transcripts); c.131G>A, p.Arg44Gln (NM_001370442.1); c.110+177G>A (NM_001290142.2); short protein forms R96Q, R101Q, R44Q.
Identifiers: ClinVar variation 158630 (VCV000158630.11), dbSNP rs587783659, ClinGen allele CA271542.